The following is an entry in ClinVar:

ClinVar aggregate classification (germline): Uncertain significance (1 of 4 stars; one submission).

Allele frequency attached by ClinVar (database versions not stated): TOPMed 0.00002; gnomAD 0.00004; 1000 Genomes Project 30x 0.00016.
gnomAD v4.1: 11 of 1,587,726 alleles (0.00069%); highest among the groups gnomAD compares: African/African-American, 0.013%; no homozygotes.

Submission:

GeneDx
Classification: Uncertain significance. Last evaluated: 2014-10-23. Review status: criteria provided, single submitter. Criteria: GeneDx Variant Classification (06012015). Collection method: clinical testing. Allele origin: germline. Affected: yes.
Comment: c.-35 G>A in exon 1 of the ADSL gene (NM_000026.2) The c.-35 G>A sequence change in the 5' untranslated region of the ADSL gene has not been published as a mutation, nor has it been reported as a benign polymorphism to our knowledge. The c.-35 G>A variant was not observed in approximately 6,500 individuals of European and African American ancestry in the NHLBI Exome Sequencing Project, indicating it is not a common benign variant in these populations. Although this variant is not expected to alter the ATG initiation codon or Kozak sequence, other regulatory mutations have been reported in the ADSL gene in association with ADSL deficiency. However, in the absence of RNA/functional studies, the actual effect of this sequence change is unknown. Therefore, based on the currently available information, it is unclear whether this variant is a pathogenic mutation or a rare benign variant. The variant is found in EPILEPSY panel(s).

NM_000026.4(ADSL):c.-35G>A

Gene: ADSL (adenylosuccinate lyase; plus strand). Cytogenetic location: 22q13.1.
Variant type: single nucleotide variant.
Coding change: c.-35G>A on transcript NM_000026.4 (MANE Select); 35 bases upstream of the start codon, G replaced by A.
Molecular consequence: 5 prime UTR variant. On other transcripts: non-coding transcript variant (1).
Genome position (GRCh38, 1-based): chr22:40,346,524, G>A. VCF-style: chr22-40346524-G-A. GRCh37 (hg19) VCF-style: chr22-40742528-G-A.
Other names: c.-35G>A (NM_001123378.3, NM_001363840.3); c.-172G>A (NM_001317923.2).
Identifiers: ClinVar variation 204817 (VCV000204817.2), dbSNP rs750649096, ClinGen allele CA313146.